The following is an entry in ClinVar:

NM_006306.4(SMC1A):c.3568A>C (p.Lys1190Gln)

Gene: SMC1A (structural maintenance of chromosomes 1A; minus strand). Cytogenetic location: Xp11.22.
Variant type: single nucleotide variant.
Coding change: c.3568A>C on transcript NM_006306.4 (MANE Select); coding-DNA position 3568, A replaced by C.
Protein change: p.Lys1190Gln; replaces lysine 1190 with glutamine.
Molecular consequence: missense variant.
Genome position (GRCh38, 1-based): chrX:53,380,670, T>G on the plus strand (A>C on the coding strand, the complement: SMC1A is on the minus strand). VCF-style: chrX-53380670-T-G. GRCh37 (hg19) VCF-style: chrX-53407591-T-G.
Other names: c.3502A>C, p.Lys1168Gln (NM_001281463.1); short protein forms K1168Q, K1190Q.
Identifiers: ClinVar variation 1698963 (VCV001698963.3), dbSNP rs1057524798, ClinGen allele CA413242104.

ClinVar aggregate classification (germline): Likely pathogenic (1 of 4 stars; one submission).

Conditions:
Congenital muscular hypertrophy-cerebral syndrome (CDLS2). Also called: SMC1A-Related Cornelia de Lange Syndrome; Cornelia de Lange syndrome 2. Identifiers: Orphanet 199, MedGen C1802395, MONDO:0010370, OMIM 300590.

Submission:

Victorian Clinical Genetics Services, Murdoch Childrens Research Institute
Classification: Likely pathogenic for Congenital muscular hypertrophy-cerebral syndrome. Last evaluated: 2022-02-02. Review status: criteria provided, single submitter. Criteria: ACMG Guidelines, 2015. Collection method: clinical testing. Allele origin: germline. Inheritance: X-linked dominant inheritance. Affected: yes.
Comment: Based on the classification scheme VCGS_Germline_v1.3.4, this variant is classified as Likely Pathogenic. Following criteria are met: 0102 - Loss of function is a known mechanism of disease in this gene and is associated with Cornelia de Lange syndrome 2 (MIM#300590) and developmental and epileptic encephalopathy 85, with or without midline brain defects (MIM#301044). Dominant negative is a suggested mechanism of disease for missense variants (PMID: 17273969, 19701948). (I) 0110 - This gene is associated with X-linked dominant disease. (I) 0200 - Variant is predicted to result in a missense amino acid change from lysine to glutamine. (I) 0253 - This variant is hemizygous. (I) 0301 - Variant is absent from gnomAD (both v2 and v3). (SP) 0501 - Missense variant consistently predicted to be damaging by multiple in silico tools or highly conserved with a major amino acid change. (SP) 0603 - Missense variant in a region that is highly intolerant to missense variation (high constraint region in DECIPHER). (SP) 0704 - Another missense variant comparable to the one identified in this case has limited previous evidence for pathogenicity. This alternative change (p.(Lys1190Glu)) has been reported as likely pathogenic, and observed in a hemizygous individual with Cornelia de Lange syndrome (ClinVar, PMID: 28826797). (SP) 0807 - This variant has no previous evidence of pathogenicity. (I) 0902 - This variant has moderate evidence for segregation with disease. (SP) 1007 - No published functional evidence has been identified for this variant. (I) Legend: (SP) - Supporting pathogenic, (I) - Information, (SB) - Supporting benign

Literature cited by the submitters: PubMed 17273969; PubMed 19701948; PubMed 28826797.